The following is an entry in ClinVar:

NM_014495.4(ANGPTL3):c.1379A>C (p.Glu460Ala)

Genes: ANGPTL3 (angiopoietin like 3; plus strand), DOCK7 (dedicator of cytokinesis 7; minus strand). Cytogenetic location: 1p31.3.
Variant type: single nucleotide variant.
Coding change: c.1379A>C on transcript NM_014495.4 (MANE Select); coding-DNA position 1379, A replaced by C.
Protein change: p.Glu460Ala; replaces glutamic acid 460 with alanine.
Molecular consequence: missense variant. On other transcripts: intron variant (7).
Genome position (GRCh38, 1-based): chr1:62,604,813, A>C. VCF-style: chr1-62604813-A-C. GRCh37 (hg19) VCF-style: chr1-63070484-A-C.
Other names: c.1682+13893T>G (NM_001272001.2, NM_001272000.2, NM_033407.4 and 4 more transcripts); short protein forms E460A.
Identifiers: ClinVar variation 4748711 (VCV004748711.1).

ClinVar aggregate classification (germline): Uncertain significance (1 of 4 stars; one submission).

gnomAD v4.1: 7 of 1,612,850 alleles (0.00043%); highest among the groups gnomAD compares: Middle Eastern, 0.017%; no homozygotes.

Submission:

Labcorp Genetics (formerly Invitae), Labcorp
Classification: Uncertain significance. Last evaluated: 2025-03-12. Review status: criteria provided, single submitter. Criteria: Invitae Variant Classification Sherloc (09022015). Collection method: clinical testing. Allele origin: germline.
Comment: This sequence change replaces glutamic acid, which is acidic and polar, with alanine, which is neutral and non-polar, at codon 460 of the ANGPTL3 protein (p.Glu460Ala). This variant is present in population databases (rs761708356, gnomAD 0.003%). This missense change has been observed in individual(s) with dyslipidemia (PMID: 36325899). An algorithm developed to predict the effect of missense changes on protein structure and function (PolyPhen-2) suggests that this variant is likely to be tolerated. In summary, the available evidence is currently insufficient to determine the role of this variant in disease. Therefore, it has been classified as a Variant of Uncertain Significance.

Literature cited by the submitters: PubMed 36325899.